The following is an entry in ClinVar:

ClinVar aggregate classification (germline): Uncertain significance (1 of 4 stars; one submission).

gnomAD v4.1: 1 of 1,613,050 alleles (0.000062%); highest among the groups gnomAD compares: Admixed American, 0.0017%; no homozygotes.

Submission:

Labcorp Genetics (formerly Invitae), Labcorp
Classification: Uncertain significance. Last evaluated: 2025-04-18. Review status: criteria provided, single submitter. Criteria: Invitae Variant Classification Sherloc (09022015). Collection method: clinical testing. Allele origin: germline.
Comment: This sequence change replaces aspartic acid, which is acidic and polar, with glutamic acid, which is acidic and polar, at codon 409 of the ADGRA3 protein (p.Asp409Glu). This variant is present in population databases (no rsID available, gnomAD 0.003%). This variant has not been reported in the literature in individuals affected with ADGRA3-related conditions. ClinVar contains an entry for this variant (Variation ID: 3608206). An algorithm developed to predict the effect of missense changes on protein structure and function outputs the following: PolyPhen-2: "Benign". The glutamic acid amino acid residue is found in multiple mammalian species, which suggests that this missense change does not adversely affect protein function. In summary, the available evidence is currently insufficient to determine the role of this variant in disease. Therefore, it has been classified as a Variant of Uncertain Significance.

NM_145290.4(ADGRA3):c.1227T>A (p.Asp409Glu)

Gene: ADGRA3 (adhesion G protein-coupled receptor A3; minus strand). Cytogenetic location: 4p15.2.
Variant type: single nucleotide variant.
Coding change: c.1227T>A on transcript NM_145290.4 (MANE Select); coding-DNA position 1227, T replaced by A.
Protein change: p.Asp409Glu; replaces aspartic acid 409 with glutamic acid.
Molecular consequence: missense variant.
Genome position (GRCh38, 1-based): chr4:22,436,500, A>T on the plus strand (T>A on the coding strand, the complement: ADGRA3 is on the minus strand). VCF-style: chr4-22436500-A-T. GRCh37 (hg19) VCF-style: chr4-22438123-A-T.
Other names: short protein forms D409E.
Identifiers: ClinVar variation 3608206 (VCV003608206.2).